The following is an entry in ClinVar:

NM_032578.4(MYPN):c.3566T>C (p.Val1189Ala)

Gene: MYPN (myopalladin; plus strand). Cytogenetic location: 10q21.3.
Variant type: single nucleotide variant.
Coding change: c.3566T>C on transcript NM_032578.4 (MANE Select); coding-DNA position 3566, T replaced by C.
Protein change: p.Val1189Ala; replaces valine 1189 with alanine.
Molecular consequence: missense variant. On other transcripts: non-coding transcript variant (2).
Genome position (GRCh38, 1-based): chr10:68,201,901, T>C. VCF-style: chr10-68201901-T-C. GRCh37 (hg19) VCF-style: chr10-69961658-T-C.
Other names: c.3566T>C, p.Val1189Ala (NM_001256267.2); c.2684T>C, p.Val895Ala (NM_001256268.2); short protein forms V895A, V1189A.
Identifiers: ClinVar variation 1732745 (VCV001732745.2), dbSNP rs2495985917, ClinGen allele CA376860066.

ClinVar aggregate classification (germline): Uncertain significance (1 of 4 stars; one submission).

Conditions:
Cardiovascular phenotype. Identifiers: MedGen CN230736.

Submission:

Ambry Genetics
Classification: Uncertain significance for Cardiovascular phenotype. Last evaluated: 2022-04-03. Review status: criteria provided, single submitter. Criteria: Ambry Variant Classification Scheme 2023. Collection method: clinical testing. Allele origin: germline.
Comment: The p.V1189A variant (also known as c.3566T>C), located in coding exon 17 of the MYPN gene, results from a T to C substitution at nucleotide position 3566. The valine at codon 1189 is replaced by alanine, an amino acid with similar properties. This amino acid position is conserved. In addition, the in silico prediction for this alteration is inconclusive. Since supporting evidence is limited at this time, the clinical significance of this alteration remains unclear.